The following is an entry in ClinVar:

ClinVar aggregate classification (germline): Uncertain significance. Review status: criteria provided, multiple submitters, no conflicts (2 of 4 stars). 2 submissions from 2 submitters: Uncertain significance (2). Last evaluated 2025-02-19.

Conditions:
Hereditary cancer-predisposing syndrome. Also called: Hereditary Cancer Syndrome; Hereditary neoplastic syndrome; Neoplastic Syndromes, Hereditary; Tumor predisposition. Identifiers: Orphanet 140162, MedGen C0027672, MeSH D009386, MONDO:0015356.
Hereditary breast ovarian cancer syndrome. Also called: Hereditary breast and ovarian cancer syndrome (HBOC); Hereditary breast and ovarian cancer syndrome; Breast and ovarian cancer; Hereditary breast and/or ovarian cancer syndrome; Hereditary breast and ovarian cancer; BRCA1- and BRCA2-Associated Hereditary Breast and Ovarian Cancer. Identifiers: Orphanet 145, MedGen C0677776, MeSH D061325, MONDO:0003582. Disease mechanism: loss of function.

Submissions (2):

Labcorp Genetics (formerly Invitae), Labcorp
Classification: Uncertain significance for Hereditary breast ovarian cancer syndrome. Last evaluated: 2025-02-19. Review status: criteria provided, single submitter. Criteria: Invitae Variant Classification Sherloc (09022015). Collection method: clinical testing. Allele origin: germline.
Comment: This sequence change replaces proline, which is neutral and non-polar, with leucine, which is neutral and non-polar, at codon 1425 of the BRCA1 protein (p.Pro1425Leu). This variant is not present in population databases (gnomAD no frequency). This variant has not been reported in the literature in individuals affected with BRCA1-related conditions. ClinVar contains an entry for this variant (Variation ID: 1739278). Invitae Evidence Modeling of protein sequence and biophysical properties (such as structural, functional, and spatial information, amino acid conservation, physicochemical variation, residue mobility, and thermodynamic stability) has been performed for this missense variant. However, the output from this modeling did not meet the statistical confidence thresholds required to predict the impact of this variant on BRCA1 protein function. In summary, the available evidence is currently insufficient to determine the role of this variant in disease. Therefore, it has been classified as a Variant of Uncertain Significance.

Ambry Genetics
Classification: Uncertain significance for Hereditary cancer-predisposing syndrome. Last evaluated: 2024-11-23. Review status: criteria provided, single submitter. Criteria: Ambry Variant Classification Scheme 2023. Collection method: clinical testing. Allele origin: germline.
Comment: The p.P1425L variant (also known as c.4274C>T), located in coding exon 11 of the BRCA1 gene, results from a C to T substitution at nucleotide position 4274. The proline at codon 1425 is replaced by leucine, an amino acid with similar properties. This amino acid position is not well conserved in available vertebrate species. In addition, the in silico prediction for this alteration is inconclusive. Since supporting evidence is limited at this time, the clinical significance of this alteration remains unclear.

NM_007294.4(BRCA1):c.4274C>T (p.Pro1425Leu)

Gene: BRCA1 (BRCA1 DNA repair associated; minus strand). Cytogenetic location: 17q21.31.
Variant type: single nucleotide variant.
Coding change: c.4274C>T on transcript NM_007294.4 (MANE Select); coding-DNA position 4274, C replaced by T.
Protein change: p.Pro1425Leu; replaces proline 1425 with leucine.
Molecular consequence: missense variant. On other transcripts: non-coding transcript variant (1).
Genome position (GRCh38, 1-based): chr17:43,082,487, G>A on the plus strand (C>T on the coding strand, the complement: BRCA1 is on the minus strand). VCF-style: chr17-43082487-G-A. GRCh37 (hg19) VCF-style: chr17-41234504-G-A.
Other names: c.4274C>T, p.Pro1425Leu (NM_001407859.1, NM_001407581.1, NM_001407582.1 and 23 more transcripts); c.4070C>T, p.Pro1357Leu (NM_001407875.1, NM_001407874.1); c.4061C>T, p.Pro1354Leu (NM_001407896.1, NM_001407894.1, NM_001407895.1 and 12 more transcripts); c.4064C>T, p.Pro1355Leu (NM_001407879.1, NM_001407881.1, NM_001407887.1 and 9 more transcripts); c.4073C>T, p.Pro1358Leu (NM_001407862.1); c.4151C>T, p.Pro1384Leu (NM_001407863.1, NM_001407648.1, NM_001407664.1 and 13 more transcripts); c.4271C>T, p.Pro1424Leu (NM_001407860.1, NM_001407861.1, NM_001407587.1 and 21 more transcripts); c.4268C>T, p.Pro1423Leu (NM_001407627.1, NM_001407628.1, NM_001407629.1 and 5 more transcripts); and 51 more; short protein forms P1256L, P1297L, P1298L, P1313L, P1336L, P1353L, P1358L, P1382L.
Identifiers: ClinVar variation 1739278 (VCV001739278.4), dbSNP rs2154153420, ClinGen allele CA10593174.